The following continues an entry in ClinVar:

NM_003000.3(SDHB):c.530G>A (p.Arg177His)

Gene: SDHB. ClinVar aggregate classification (germline): Uncertain significance. Uncertain significance (11).

Submissions 7 to 11 of 11:

Baylor Genetics
Classification: Uncertain significance for Gastrointestinal stromal tumor. Last evaluated: 2023-08-25. Review status: criteria provided, single submitter. Criteria: ACMG Guidelines, 2015. Collection method: clinical testing. Allele origin: unknown.

Clinical Genetics Laboratory, Skane University Hospital Lund
Classification: Uncertain significance. Last evaluated: 2023-07-13. Review status: criteria provided, single submitter. Criteria: ACMG Guidelines, 2015. Collection method: clinical testing. Allele origin: germline. Affected: yes.

GeneDx
Classification: Uncertain significance. Last evaluated: 2023-05-22. Review status: criteria provided, single submitter. Criteria: GeneDx Variant Classification Process June 2021. Collection method: clinical testing. Allele origin: germline. Affected: yes.
Comment: Not observed at significant frequency in large population cohorts (gnomAD); In silico analysis supports that this missense variant has a deleterious effect on protein structure/function; Published functional studies in yeast demonstrate mild impact on SDH activity (Panizza et al., 2013); Observed in individuals with a personal and/or family history of head and neck paraganglioma (Michalowska et al., 2016; Bayley et al., 2020; Richter et al., 2022); Also known as p.R149H; This variant is associated with the following publications: (PMID: 25720320, 25791839, 27867439, 27967220, 31492822, 33152312, 23175444, 25595276, 35171114)

Sema4
Classification: Uncertain significance for Hereditary cancer-predisposing syndrome. Last evaluated: 2021-12-16. Review status: criteria provided, single submitter. Criteria: Sema4 Curation Guidelines. Collection method: curation. Allele origin: germline.
Comment: The SDHB c.530G>A (p.R177H) variant has been reported in heterozygous in numerous individuals with head and neck paragangliomas (PMID: 25595276, 27867439, 25791839). This variant was identified in at least one family, where it was found to segregate with paragangliomas (PGL) or pheochromocytomas (PCC) in five family members, one additional relative was unaffected (PMID: 25595276). In silico tools suggest the impact of the variant on protein function is deleterious and functional studies have shown that this variant has a mild effect on SDHB function in yeast (PMID: 23175444). It was observed in 8/251384 chromosomes among all subpopulations in the large and broad cohorts of the Genome Aggregation Database (PMID: 32461654). The variant has been reported in ClinVar (Variation ID: 239433). The evidence is insufficient to meet ACMG/AMP criteria for classifying the variant as benign or pathogenic. Thus, the clinical significance of this variant is currently uncertain.

Genetic Services Laboratory, University of Chicago
Classification: Uncertain significance. Last evaluated: 2019-03-13. Review status: criteria provided, single submitter. Criteria: ACMG Guidelines, 2015. Collection method: clinical testing. Allele origin: germline. Affected: no.

Literature cited by the submitters: PubMed 25595276 (cited by 5 submitters); PubMed 27867439 (cited by 4 submitters); PubMed 31492822 (cited by Labcorp Genetics (formerly Invitae), Labcorp); PubMed 35171114 (cited by 4 submitters); PubMed 23175444 (cited by 5 submitters); PubMed 25791839 (cited by 4 submitters); PubMed 38473309 (cited by Ambry Genetics).